The following is an entry in ClinVar:

ClinVar aggregate classification (germline): other (0 of 4 stars; one submission).

Conditions:
Familial colorectal cancer. Identifiers: MedGen CN280943, MONDO:0023113. Disease mechanism: loss of function.

Submission:

Systems Biology Platform Zhejiang California International NanoSystems Institute
Classification: other for Familial colorectal cancer. Review status: no assertion criteria provided. Collection method: not provided. Allele origin: unknown.
ClinVar note: Converted during submission from cancer to other.

NM_000038.6(APC):c.135+862A>G

Gene: APC (APC regulator of WNT signaling pathway; plus strand). Cytogenetic location: 5q22.2.
Variant type: single nucleotide variant.
Coding change: c.135+862A>G on transcript NM_000038.6 (MANE Select); 862 bases into the intron after coding-DNA position 135, A replaced by G.
Molecular consequence: intron variant.
Genome position (GRCh38, 1-based): chr5:112,755,887, A>G. VCF-style: chr5-112755887-A-G. GRCh37 (hg19) VCF-style: chr5-112091584-A-G.
Other names: c.135+862A>G (NM_001354895.2, NM_001127510.3, NM_001354896.2 and 2 more transcripts); c.166-10439A>G (NM_001354897.2, NM_001354902.2, NM_001127511.3); c.61-10439A>G (NM_001354898.2, NM_001354904.2); c.-901+862A>G (NM_001354906.2); c.-42-10439A>G (NM_001354900.2, NM_001354901.2, NM_001354905.2).
Identifiers: ClinVar variation 82365 (VCV000082365.2), dbSNP rs75194627, ClinGen allele CA004441.